The following is an entry in ClinVar:

NC_000023.10:g.(?_32235023)_(32867947_?)del

Gene: DMD (dystrophin; minus strand). Cytogenetic location: Xp21.1.
Variant type: Deletion.
Identifiers: ClinVar variation 1073608 (VCV001073608.2).

ClinVar aggregate classification (germline): Pathogenic (1 of 4 stars; one submission).

Conditions:
Duchenne muscular dystrophy (DMD). Also called: MUSCULAR DYSTROPHY, PSEUDOHYPERTROPHIC PROGRESSIVE, DUCHENNE TYPE; Duchenne Muscular Dystrophy (DMD). Identifiers: Orphanet 98896, MedGen C0013264, MONDO:0010679, OMIM 310200.

Submission:

Labcorp Genetics (formerly Invitae), Labcorp
Classification: Pathogenic for Duchenne muscular dystrophy. Last evaluated: 2020-07-22. Review status: criteria provided, single submitter. Criteria: Invitae Variant Classification Sherloc (09022015). Collection method: clinical testing. Allele origin: germline.
Comment: This variant is an in-frame deletion of the genomic region encompassing exon(s) 3-44 of the DMD gene. It preserves the integrity of the reading frame. Similar copy number variants have been observed in individual(s) with Duchenne muscular dystrophy (PMID: 15637982, 18752307, 21515508). For these reasons, this variant has been classified as Pathogenic.

Literature cited by the submitters: PubMed 15637982; PubMed 18752307; PubMed 21515508.